The following is an entry in ClinVar:

ClinVar aggregate classification (germline): Uncertain significance (1 of 4 stars; one submission).

Submission:

Ambry Genetics
Classification: Uncertain significance. Last evaluated: 2025-03-22. Review status: criteria provided, single submitter. Criteria: Ambry Variant Classification Scheme 2023. Collection method: clinical testing. Allele origin: germline.
Comment: The p.Y279H variant (also known as c.835T>C), located in coding exon 1 of the CDK12 gene, results from a T to C substitution at nucleotide position 835. The tyrosine at codon 279 is replaced by histidine, an amino acid with similar properties. This amino acid position is conserved. In addition, this alteration is predicted to be tolerated by in silico analysis. Based on the available evidence, the clinical significance of this variant remains unclear.

NM_016507.4(CDK12):c.835T>C (p.Tyr279His)

Genes: CDK12 (cyclin dependent kinase 12; plus strand), LOC126862553 (CDK7 strongly-dependent group 2 enhancer GRCh37_chr17:37618166-37619365; plus strand). Cytogenetic location: 17q12.
Variant type: single nucleotide variant.
Coding change: c.835T>C on transcript NM_016507.4 (MANE Select); coding-DNA position 835, T replaced by C.
Protein change: p.Tyr279His; replaces tyrosine 279 with histidine.
Molecular consequence: missense variant.
Genome position (GRCh38, 1-based): chr17:39,462,906, T>C. VCF-style: chr17-39462906-T-C. GRCh37 (hg19) VCF-style: chr17-37619159-T-C.
Other names: c.835T>C, p.Tyr279His (NM_015083.4); short protein forms Y279H.
Identifiers: ClinVar variation 3999251 (VCV003999251.1).
Genomic context (GRCh38, chr17:39,462,906, plus strand): 5'-TATGACTCCTACAAGAAAAGTCCTGGAAGTACCTCGAGAAGGCAGTCGGTCAGTCCCCCT[T>C]ACAAGGAGCCTTCGGCCTACCAGTCCAGCACCCGGTCACCGAGCCCCTACAGTAGGCGAC-3'
Protein context (NP_057591.2, residues 269-289): TSRRQSVSPP[Tyr279His]KEPSAYQSST